The following is an entry in ClinVar:

ClinVar aggregate classification (germline): Pathogenic. Review status: criteria provided, multiple submitters, no conflicts (2 of 4 stars). 2 submissions from 2 submitters: Pathogenic (2). Last evaluated 2024-09-16.

Conditions:
Congenital factor V deficiency. Also called: LABILE FACTOR DEFICIENCY; OWREN PARAHEMOPHILIA; PARAHEMOPHILIA; Hereditary factor V deficiency disease. Identifiers: Orphanet 326, MedGen C0015499, MONDO:0009210, OMIM 227400.

Allele frequency attached by ClinVar (database versions not stated): gnomAD exomes below 0.00001.
gnomAD v4.1: 2 of 1,613,674 alleles (0.00012%); highest among the groups gnomAD compares: East Asian, 0.0045%; no homozygotes.

Submissions (2):

Women's Health and Genetics/Laboratory Corporation of America, LabCorp
Classification: Pathogenic for Congenital factor V deficiency. Last evaluated: 2024-09-16. Review status: criteria provided, single submitter. Criteria: LabCorp Variant Classification Summary - May 2015. Collection method: clinical testing. Allele origin: germline.
Comment: Variant summary: F5 c.1258G>T (p.Gly420Cys), also reported as Gly392Cys, results in a non-conservative amino acid change in the encoded protein sequence. Five of five in-silico tools predict a damaging effect of the variant on protein function. The variant allele was found at a frequency of 4e-06 in 251382 control chromosomes. c.1258G>T has been reported in the EAHAD Database and in the literature in the presumed compound heterozygous state in multiple individuals affected with autosomal recessive Congenital Factor V Deficiency (example, Guo_2021, Lin_2023, Zhang_2021). These data indicate that the variant is very likely to be associated with disease. At least one publication reports experimental evidence evaluating an impact on protein function. The most pronounced variant effect results in 10%-<30% of normal activity in COS1 cells in vitro (example, Chen_2005). The following publications have been ascertained in the context of this evaluation (PMID: 15735820, 33858044, 35946468, 33979974). ClinVar contains an entry for this variant (Variation ID: 2734024). Based on the evidence outlined above, the variant was classified as pathogenic.

Labcorp Genetics (formerly Invitae), Labcorp
Classification: Pathogenic for Congenital factor V deficiency. Last evaluated: 2023-11-25. Review status: criteria provided, single submitter. Criteria: Invitae Variant Classification Sherloc (09022015). Collection method: clinical testing. Allele origin: germline.
Comment: This sequence change replaces glycine, which is neutral and non-polar, with cysteine, which is neutral and slightly polar, at codon 420 of the F5 protein (p.Gly420Cys). This variant is present in population databases (no rsID available, gnomAD 0.006%). This missense change has been observed in individual(s) with autosomal recessive factor V deficiency (PMID: 14511309, 15735820, 33858044, 33979974, 35946468). In at least one individual the data is consistent with being in trans (on the opposite chromosome) from a pathogenic variant. This variant is also known as G1348T or Gly392Cys. Advanced modeling of protein sequence and biophysical properties (such as structural, functional, and spatial information, amino acid conservation, physicochemical variation, residue mobility, and thermodynamic stability) performed at Invitae indicates that this missense variant is expected to disrupt F5 protein function with a positive predictive value of 80%. Experimental studies have shown that this missense change affects F5 function (PMID: 15735820). For these reasons, this variant has been classified as Pathogenic.

Literature cited by the submitters: PubMed 15735820 (cited by Women's Health and Genetics/Laboratory Corporation of America, LabCorp and Labcorp Genetics (formerly Invitae), Labcorp); PubMed 33858044 (cited by Women's Health and Genetics/Laboratory Corporation of America, LabCorp and Labcorp Genetics (formerly Invitae), Labcorp); PubMed 35946468 (cited by Women's Health and Genetics/Laboratory Corporation of America, LabCorp and Labcorp Genetics (formerly Invitae), Labcorp); PubMed 33979974 (cited by Women's Health and Genetics/Laboratory Corporation of America, LabCorp and Labcorp Genetics (formerly Invitae), Labcorp); PubMed 14511309 (cited by Labcorp Genetics (formerly Invitae), Labcorp).

NM_000130.5(F5):c.1258G>T (p.Gly420Cys)

Gene: F5 (coagulation factor V; minus strand). Cytogenetic location: 1q24.2.
Variant type: single nucleotide variant.
Coding change: c.1258G>T on transcript NM_000130.5 (MANE Select); coding-DNA position 1258, G replaced by T.
Protein change: p.Gly420Cys; replaces glycine 420 with cysteine.
Molecular consequence: missense variant.
Genome position (GRCh38, 1-based): chr1:169,552,595, C>A on the plus strand (G>T on the coding strand, the complement: F5 is on the minus strand). VCF-style: chr1-169552595-C-A. GRCh37 (hg19) VCF-style: chr1-169521833-C-A.
Other names: short protein forms G420C.
Identifiers: ClinVar variation 2734024 (VCV002734024.4), dbSNP rs1172481159, ClinGen allele CA343127965.